The following is an entry in ClinVar:

ClinVar aggregate classification (germline): Likely benign. Review status: criteria provided, multiple submitters, no conflicts (2 of 4 stars). 3 submissions from 3 submitters: Likely benign (2). 1 of the submissions does not count toward it. Last evaluated 2025-06-22.

Conditions:
LOX-related disorder. Also called: LOX-related disorders; LOX-related condition.
Cardiovascular phenotype. Identifiers: MedGen CN230736.

Submissions (3):

Labcorp Genetics (formerly Invitae), Labcorp
Classification: Likely benign. Last evaluated: 2025-06-22. Review status: criteria provided, single submitter. Criteria: Invitae Variant Classification Sherloc (09022015). Collection method: clinical testing. Allele origin: germline.

Ambry Genetics
Classification: Likely benign for Cardiovascular phenotype. Last evaluated: 2025-05-08. Review status: criteria provided, single submitter. Criteria: Ambry Variant Classification Scheme 2023. Collection method: clinical testing. Allele origin: germline.

PreventionGenetics, part of Exact Sciences
Classification: Likely benign for LOX-related condition. Last evaluated: 2019-02-27. Review status: no assertion criteria provided. Collection method: clinical testing. Allele origin: germline. Not counted in ClinVar's aggregate classification.
Comment: This variant is classified as likely benign based on ACMG/AMP sequence variant interpretation guidelines (Richards et al. 2015 PMID: 25741868, with internal and published modifications).

NM_002317.7(LOX):c.417C>G (p.Ala139=)

Genes: LOX (lysyl oxidase; minus strand), SRFBP1 (serum response factor binding protein 1; plus strand). Cytogenetic location: 5q23.1.
Variant type: single nucleotide variant.
Coding change: c.417C>G on transcript NM_002317.7 (MANE Select); coding-DNA position 417, C replaced by G.
Protein change: p.Ala139=; no amino-acid change (alanine 139 retained).
Molecular consequence: synonymous variant.
Genome position (GRCh38, 1-based): chr5:122,077,569, G>C on the plus strand (C>G on the coding strand, the complement: LOX is on the minus strand). VCF-style: chr5-122077569-G-C. GRCh37 (hg19) VCF-style: chr5-121413264-G-C.
Other names: c.417C>G (NM_002317.6, NM_002317.5).
Identifiers: ClinVar variation 2986632 (VCV002986632.6), dbSNP rs1435766205, ClinGen allele CA446220180.